The following is an entry in ClinVar:

ClinVar aggregate classification (germline): Conflicting classifications of pathogenicity. Review status: criteria provided, conflicting classifications (1 of 4 stars). 2 submissions from 2 submitters: Uncertain significance (1); Likely benign (1). Last evaluated 2025-03-03.

Conditions:
Developmental and epileptic encephalopathy, 9 (DEE9). Also called: PCDH19-Related X-Linked Female-Limited Epilepsy with Mental Retardation; EPILEPSY, FEMALE-RESTRICTED, WITH MENTAL RETARDATION; JUBERG-HELLMAN SYNDROME; Early infantile epileptic encephalopathy 9. Identifiers: Orphanet 101039, Orphanet 2076, MedGen C1848137, MONDO:0010246, OMIM 300088. Disease mechanism: loss of function.

Allele frequency attached by ClinVar (database versions not stated): gnomAD 0.00001; TOPMed 0.00001.
gnomAD v4.1: 21 of 1,205,877 alleles (0.0017%); highest among the groups gnomAD compares: Non-Finnish European, 0.0021%; no homozygotes.

Submissions (2):

Labcorp Genetics (formerly Invitae), Labcorp
Classification: Uncertain significance for Developmental and epileptic encephalopathy, 9. Last evaluated: 2025-03-03. Review status: criteria provided, single submitter. Criteria: Invitae Variant Classification Sherloc (09022015). Collection method: clinical testing. Allele origin: germline.
Comment: This sequence change replaces arginine, which is basic and polar, with tryptophan, which is neutral and slightly polar, at codon 923 of the PCDH19 protein (p.Arg923Trp). This variant is present in population databases (rs752763816, gnomAD 0.005%). This variant has not been reported in the literature in individuals affected with PCDH19-related conditions. ClinVar contains an entry for this variant (Variation ID: 849088). Invitae Evidence Modeling of protein sequence and biophysical properties (such as structural, functional, and spatial information, amino acid conservation, physicochemical variation, residue mobility, and thermodynamic stability) indicates that this missense variant is not expected to disrupt PCDH19 protein function with a negative predictive value of 95%. In summary, the available evidence is currently insufficient to determine the role of this variant in disease. Therefore, it has been classified as a Variant of Uncertain Significance.

CeGaT Center for Human Genetics Tuebingen
Classification: Likely benign. Last evaluated: 2022-07-01. Review status: criteria provided, single submitter. Criteria: CeGaT Center For Human Genetics Tuebingen Variant Classification Criteria Version 2. Collection method: clinical testing. Allele origin: germline. Affected: yes. Observed: 1 variant allele.
Comment: PCDH19: BS2

NM_001184880.2(PCDH19):c.2767C>T (p.Arg923Trp)

Gene: PCDH19 (protocadherin 19; minus strand). Cytogenetic location: Xq22.1.
Variant type: single nucleotide variant.
Coding change: c.2767C>T on transcript NM_001184880.2 (MANE Select); coding-DNA position 2767, C replaced by T.
Protein change: p.Arg923Trp; replaces arginine 923 with tryptophan.
Molecular consequence: missense variant.
Genome position (GRCh38, 1-based): chrX:100,341,984, G>A on the plus strand (C>T on the coding strand, the complement: PCDH19 is on the minus strand). VCF-style: chrX-100341984-G-A. GRCh37 (hg19) VCF-style: chrX-99596982-G-A.
Other names: c.2626C>T, p.Arg876Trp (NM_001105243.2); c.2623C>T, p.Arg875Trp (NM_020766.3); short protein forms R923W, R875W, R876W.
Identifiers: ClinVar variation 849088 (VCV000849088.39), dbSNP rs752763816, ClinGen allele CA10468713.